The following is an entry in ClinVar:

NM_001035.3(RYR2):c.3431G>A (p.Arg1144Gln)

Gene: RYR2 (ryanodine receptor 2; plus strand). Cytogenetic location: 1q43.
Variant type: single nucleotide variant.
Coding change: c.3431G>A on transcript NM_001035.3 (MANE Select); coding-DNA position 3431, G replaced by A.
Protein change: p.Arg1144Gln; replaces arginine 1144 with glutamine.
Molecular consequence: missense variant.
Genome position (GRCh38, 1-based): chr1:237,569,152, G>A. VCF-style: chr1-237569152-G-A. GRCh37 (hg19) VCF-style: chr1-237732452-G-A.
Other names: c.3431G>A (NM_001035.2); short protein forms R1144Q.
Identifiers: ClinVar variation 1014565 (VCV001014565.12), dbSNP rs193125030, ClinGen allele CA086386.

ClinVar aggregate classification (germline): Conflicting classifications of pathogenicity. Review status: criteria provided, conflicting classifications (1 of 4 stars). 3 submissions from 3 submitters: Uncertain significance (2); Likely benign (1). Last evaluated 2025-04-02.

Conditions:
Cardiovascular phenotype. Identifiers: MedGen CN230736.
Catecholaminergic polymorphic ventricular tachycardia (CVPT). Also called: Catecholamine-induced polymorphic ventricular tachycardia. Identifiers: Orphanet 3286, MedGen C5574922, MONDO:0017990.
Catecholaminergic polymorphic ventricular tachycardia 1. Also called: VENTRICULAR TACHYCARDIA, STRESS-INDUCED POLYMORPHIC 1; VENTRICULAR TACHYCARDIA, CATECHOLAMINERGIC POLYMORPHIC, 1, WITH OR WITHOUT ATRIAL DYSFUNCTION AND/OR DILATED CARDIOMYOPATHY; RYR2-Related Catecholaminergic Polymorphic Ventricular Tachycardia. Identifiers: Orphanet 3286, MedGen C1631597, MONDO:0011484, OMIM 604772.

Allele frequency attached by ClinVar (database versions not stated): gnomAD exomes below 0.00001 and 0.00001; gnomAD 0.00001; ExAC 0.00002; 1000 Genomes Project 0.00020.
gnomAD v4.1: 2 of 1,613,248 alleles (0.00012%); highest among the groups gnomAD compares: South Asian, 0.0011%; no homozygotes.

Submissions (3):

Ambry Genetics
Classification: Uncertain significance for Cardiovascular phenotype. Last evaluated: 2025-04-02. Review status: criteria provided, single submitter. Criteria: Ambry Variant Classification Scheme 2023. Collection method: clinical testing. Allele origin: germline.
Comment: The p.R1144Q variant (also known as c.3431G>A), located in coding exon 29 of the RYR2 gene, results from a G to A substitution at nucleotide position 3431. The arginine at codon 1144 is replaced by glutamine, an amino acid with highly similar properties. This amino acid position is highly conserved in available vertebrate species. In addition, this alteration is predicted to be tolerated by in silico analysis. Based on the available evidence, the clinical significance of this variant remains unclear.

Labcorp Genetics (formerly Invitae), Labcorp
Classification: Likely benign for Catecholaminergic polymorphic ventricular tachycardia 1. Last evaluated: 2024-10-22. Review status: criteria provided, single submitter. Criteria: Invitae Variant Classification Sherloc (09022015). Collection method: clinical testing. Allele origin: germline.

All of Us Research Program, National Institutes of Health
Classification: Uncertain significance for Catecholaminergic polymorphic ventricular tachycardia. Last evaluated: 2023-06-28. Review status: criteria provided, single submitter. Criteria: ACMG Guidelines, 2015. Collection method: clinical testing. Allele origin: germline. Inheritance: Autosomal dominant inheritance. Observed: 2 variant alleles, 2 heterozygotes.
Comment: This missense variant replaces arginine with glutamine at codon 1144 of the RYR2 protein. Computational prediction suggests that this variant may not impact protein structure and function (internally defined REVEL score threshold <= 0.5, PMID: 27666373). To our knowledge, functional studies have not been reported for this variant. This variant has not been reported in individuals affected with RYR2-related disorders in the literature. This variant has been identified in 2/248614 chromosomes in the general population by the Genome Aggregation Database (gnomAD). The available evidence is insufficient to determine the role of this variant in disease conclusively. Therefore, this variant is classified as a Variant of Uncertain Significance.

This study involves interpretation of variants in research participants for the purpose of population health screening. Participant phenotype was not available at the time of variant classification. Additional details can be found in publication PMID: 35346344, PMCID: PMC8962531